The following is an entry in ClinVar:

NM_001163435.3(TBCK):c.1088G>C (p.Gly363Ala)

Gene: TBCK (TBC1 domain containing kinase; minus strand). Cytogenetic location: 4q24.
Variant type: single nucleotide variant.
Coding change: c.1088G>C on transcript NM_001163435.3 (MANE Select); coding-DNA position 1088, G replaced by C.
Protein change: p.Gly363Ala; replaces glycine 363 with alanine.
Molecular consequence: missense variant.
Genome position (GRCh38, 1-based): chr4:106,242,552, C>G on the plus strand (G>C on the coding strand, the complement: TBCK is on the minus strand). VCF-style: chr4-106242552-C-G. GRCh37 (hg19) VCF-style: chr4-107163709-C-G.
Other names: c.1088G>C, p.Gly363Ala (NM_001163436.4); c.971G>C, p.Gly324Ala (NM_001163437.3); c.572G>C, p.Gly191Ala (NM_001290768.2); c.899G>C, p.Gly300Ala (NM_033115.5); short protein forms G191A, G300A, G324A, G363A.
Identifiers: ClinVar variation 1710609 (VCV001710609.4), dbSNP rs371959745, ClinGen allele CA3035195.
Genomic context (GRCh38, chr4:106,242,552, plus strand): 5'-AATGTCACAGTGGTATCATCTAAAAGCGAGCTTCTATCTCGACCTTGTCCAAAGCTTTCA[C>G]CATCCTCAAAGAGAAAACTGAAAAGAAATTTTTAAAAATAATATGTACACAAAATCCAGT-3'
Protein context (NP_001156907.2, residues 353-373): CTLPNFLFED[Gly363Ala]ESFGQGRDRS

ClinVar aggregate classification (germline): Uncertain significance. Review status: criteria provided, multiple submitters, no conflicts (2 of 4 stars). 2 submissions from 2 submitters: Uncertain significance (2). Last evaluated 2022-07-12.

Allele frequency attached by ClinVar (database versions not stated): gnomAD 0.00003; TOPMed 0.00003; ESP Exome Variant Server 0.00008.
gnomAD v4.1: 6 of 1,603,670 alleles (0.00037%); highest among the groups gnomAD compares: African/African-American, 0.0081%; no homozygotes.

Submissions (2):

Labcorp Genetics (formerly Invitae), Labcorp
Classification: Uncertain significance. Last evaluated: 2022-07-12. Review status: criteria provided, single submitter. Criteria: Invitae Variant Classification Sherloc (09022015). Collection method: clinical testing. Allele origin: germline.
Comment: This sequence change replaces glycine, which is neutral and non-polar, with alanine, which is neutral and non-polar, at codon 363 of the TBCK protein (p.Gly363Ala). This variant is present in population databases (rs371959745, gnomAD 0.01%). This variant has not been reported in the literature in individuals affected with TBCK-related conditions. Algorithms developed to predict the effect of missense changes on protein structure and function are either unavailable or do not agree on the potential impact of this missense change (SIFT: "Tolerated"; PolyPhen-2: "Probably Damaging"; Align-GVGD: "Class C0"). In summary, the available evidence is currently insufficient to determine the role of this variant in disease. Therefore, it has been classified as a Variant of Uncertain Significance.

GeneDx
Classification: Uncertain significance. Last evaluated: 2022-04-15. Review status: criteria provided, single submitter. Criteria: GeneDx Variant Classification Process June 2021. Collection method: clinical testing. Allele origin: germline. Affected: yes.
Comment: In silico analysis supports that this missense variant has a deleterious effect on protein structure/function; Has not been previously published as pathogenic or benign to our knowledge